The following is an entry in ClinVar:

ClinVar aggregate classification (germline): Uncertain significance (1 of 4 stars; one submission).

Conditions:
Baller-Gerold syndrome (BGS). Also called: CRANIOSYNOSTOSIS WITH RADIAL DEFECTS. Identifiers: Orphanet 1225, MedGen C0265308, MONDO:0009039, OMIM 218600.

Submission:

Labcorp Genetics (formerly Invitae), Labcorp
Classification: Uncertain significance for Baller-Gerold syndrome. Last evaluated: 2022-11-01. Review status: criteria provided, single submitter. Criteria: Invitae Variant Classification Sherloc (09022015). Collection method: clinical testing. Allele origin: germline.
Comment: ClinVar contains an entry for this variant (Variation ID: 1347019). This variant has not been reported in the literature in individuals affected with RECQL4-related conditions. This variant is not present in population databases (gnomAD no frequency). This sequence change replaces threonine, which is neutral and polar, with asparagine, which is neutral and polar, at codon 449 of the RECQL4 protein (p.Thr449Asn). In summary, the available evidence is currently insufficient to determine the role of this variant in disease. Therefore, it has been classified as a Variant of Uncertain Significance. Advanced modeling of protein sequence and biophysical properties (such as structural, functional, and spatial information, amino acid conservation, physicochemical variation, residue mobility, and thermodynamic stability) performed at Invitae indicates that this missense variant is not expected to disrupt RECQL4 protein function.

NM_004260.4(RECQL4):c.1346C>A (p.Thr449Asn)

Gene: RECQL4 (RecQ like helicase 4; minus strand). Cytogenetic location: 8q24.3.
Variant type: single nucleotide variant.
Coding change: c.1346C>A on transcript NM_004260.4 (MANE Select); coding-DNA position 1346, C replaced by A.
Protein change: p.Thr449Asn; replaces threonine 449 with asparagine.
Molecular consequence: missense variant.
Genome position (GRCh38, 1-based): chr8:144,515,370, G>T on the plus strand (C>A on the coding strand, the complement: RECQL4 is on the minus strand). VCF-style: chr8-144515370-G-T. GRCh37 (hg19) VCF-style: chr8-145740754-G-T.
Other names: short protein forms T449N.
Identifiers: ClinVar variation 1347019 (VCV001347019.6), dbSNP rs1828009684, ClinGen allele CA372685517.